The following is an entry in ClinVar:

NC_000001.10:g.(?_948954)_(1284445_?)dup

Genes: ACAP3 (ArfGAP with coiled-coil, ankyrin repeat and PH domains 3; minus strand), AGRN (agrin; plus strand), B3GALT6 (beta-1,3-galactosyltransferase 6; plus strand), C1QTNF12 (C1q and TNF related 12; minus strand), C1orf159 (chromosome 1 open reading frame 159; minus strand) and 16 more. Cytogenetic location: 1p36.33.
Variant type: Duplication.
Identifiers: ClinVar variation 1008424 (VCV001008424.1).

ClinVar aggregate classification (germline): Uncertain significance. Review status: criteria provided, single submitter (1 of 4 stars). 2 submissions from 1 submitter: Uncertain significance (1). 1 of the submissions does not count toward it. Last evaluated 2020-08-06.

Conditions:
Ehlers-Danlos syndrome, spondylodysplastic type, 2 (EDSSPD2). Also called: Ehlers-Danlos syndrome, progeroid type, 2. Identifiers: Orphanet 536467, Orphanet 75496, MedGen C3809210, MONDO:0014139, OMIM 615349.
Spondyloepimetaphyseal dysplasia with joint laxity (SEMDJL). Identifiers: MedGen C0432243, MONDO:0019675.

Submissions (2):

Labcorp Genetics (formerly Invitae), Labcorp
Classification: Uncertain significance. Last evaluated: 2020-08-06. Review status: criteria provided, single submitter. Criteria: Invitae Variant Classification Sherloc (09022015). Collection method: clinical testing. Allele origin: germline.
Comment: This variant results in a copy number gain of the genomic region encompassing the full coding sequence of the DVL1 gene. The boundaries of this event are unknown as they extend beyond the assayed region for this gene and therefore may encompass additional genes. As the precise location of this event is unknown, it may be in tandem or it may be located elsewhere in the genome. This variant has not been reported in the literature in individuals with DVL1-related conditions. In summary, the available evidence is currently insufficient to determine the role of this variant in disease. Therefore, it has been classified as a Variant of Uncertain Significance.

Labcorp Genetics (formerly Invitae), Labcorp
Classification: Uncertain significance for Ehlers-Danlos syndrome, spondylodysplastic type, 2; Spondyloepimetaphyseal dysplasia with joint laxity. Last evaluated: 2020-08-06. Review status: flagged submission. Criteria: Invitae Variant Classification Sherloc (09022015). Collection method: clinical testing. Allele origin: germline. Not counted in ClinVar's aggregate classification.
Comment: This variant results in a copy number gain of the genomic region encompassing the full coding sequence of the B3GALT6 gene. The boundaries of this event are unknown as they extend beyond the assayed region for this gene and therefore may encompass additional genes. As the precise location of this event is unknown, it may be in tandem or it may be located elsewhere in the genome. This variant has not been reported in the literature in individuals with B3GALT6-related disease. In summary, the available evidence is currently insufficient to determine the role of this variant in disease. Therefore, it has been classified as a Variant of Uncertain Significance.
ClinVar note: Reason: This record appears to be redundant with a more recent record from the same submitter.
ClinVar note: Notes: SCV001495100 appears to be redundant with SCV001498288.